The following is an entry in ClinVar:

ClinVar aggregate classification (germline): Conflicting classifications of pathogenicity. Review status: criteria provided, conflicting classifications (1 of 4 stars). 5 submissions from 5 submitters: Uncertain significance (1); Benign (1); Likely benign (3). Last evaluated 2026-07-27.

Conditions:
TG-related disorder. Also called: TG-related condition; TG-related disorders.
Iodotyrosyl coupling defect (TDH3). Also called: HYPOTHYROIDISM, CONGENITAL, DUE TO DYSHORMONOGENESIS, 3; THYROID HORMONOGENESIS, GENETIC DEFECT IN, 3. Identifiers: Orphanet 95716, MedGen C0342194, MONDO:0010135, OMIM 274700.

Allele frequency attached by ClinVar (database versions not stated): TOPMed 0.00030; ESP Exome Variant Server 0.00054; 1000 Genomes Project 30x 0.00109; 1000 Genomes Project 0.00140; gnomAD 0.00178 and 0.00182.
gnomAD v4.1: 1,430 of 1,614,114 alleles (0.089%); highest among the groups gnomAD compares: Non-Finnish European, 0.053%; 10 homozygotes.

Submissions (5):

PreventionGenetics, part of Exact Sciences
Classification: Likely benign for TG-related condition. Last evaluated: 2026-07-27. Review status: criteria provided, single submitter. Criteria: ACMG Guidelines, 2015. Collection method: clinical testing. Allele origin: germline.
Comment: This variant is classified as likely benign based on ACMG/AMP sequence variant interpretation guidelines (Richards et al. 2015 PMID: 25741868, with internal and published modifications).

Labcorp Genetics (formerly Invitae), Labcorp
Classification: Benign. Last evaluated: 2025-12-31. Review status: criteria provided, single submitter. Criteria: Invitae Variant Classification Sherloc (09022015). Collection method: clinical testing. Allele origin: germline.

CeGaT Center for Human Genetics Tuebingen
Classification: Likely benign. Last evaluated: 2025-06-01. Review status: criteria provided, single submitter. Criteria: CeGaT Center For Human Genetics Tuebingen Variant Classification Criteria Version 2. Collection method: clinical testing. Allele origin: germline. Affected: yes. Observed: 1 variant allele.
Comment: TG: BP4, BS2

Blueprint Genetics
Classification: Likely benign. Last evaluated: 2024-11-13. Review status: criteria provided, single submitter. Criteria: ACMG Guidelines, 2015. Collection method: clinical testing. Allele origin: germline.

Illumina Laboratory Services, Illumina
Classification: Uncertain significance for Iodotyrosyl coupling defect. Last evaluated: 2018-01-13. Review status: criteria provided, single submitter. Criteria: ICSL Variant Classification Criteria 13 December 2019. Collection method: clinical testing. Allele origin: germline.

NM_003235.5(TG):c.3647C>T (p.Pro1216Leu)

Gene: TG (thyroglobulin; plus strand). Cytogenetic location: 8q24.22.
Variant type: single nucleotide variant.
Coding change: c.3647C>T on transcript NM_003235.5 (MANE Select); coding-DNA position 3647, C replaced by T.
Protein change: p.Pro1216Leu; replaces proline 1216 with leucine.
Molecular consequence: missense variant.
Genome position (GRCh38, 1-based): chr8:132,906,700, C>T. VCF-style: chr8-132906700-C-T. GRCh37 (hg19) VCF-style: chr8-133918945-C-T.
Other names: short protein forms P1216L.
Identifiers: ClinVar variation 361947 (VCV000361947.23), dbSNP rs142335537, ClinGen allele CA4883836.